The following is an entry in ClinVar:

ClinVar aggregate classification (germline): Conflicting classifications of pathogenicity. Review status: criteria provided, conflicting classifications (1 of 4 stars). 2 submissions from 2 submitters: Uncertain significance (1); Likely benign (1). Last evaluated 2025-12-06.

Conditions:
Autoimmune enteropathy and endocrinopathy - susceptibility to chronic infections syndrome. Also called: Immunodeficiency 31C; Immunodeficiency 31C, autosomal dominant. Identifiers: Orphanet 391487, MedGen C3279990, MONDO:0013599, OMIM 614162.
Immunodeficiency 31B. Also called: STAT1 DEFICIENCY, AUTOSOMAL RECESSIVE; IMMUNODEFICIENCY 31B, MYCOBACTERIAL AND VIRAL INFECTIONS, AUTOSOMAL RECESSIVE. Identifiers: Orphanet 391311, MedGen C3151088, MONDO:0013427, OMIM 613796.
Mendelian susceptibility to mycobacterial diseases due to partial STAT1 deficiency. Also called: IMMUNODEFICIENCY 31A, MYCOBACTERIOSIS, AUTOSOMAL DOMINANT; STAT1 DEFICIENCY, AUTOSOMAL DOMINANT; Immunodeficiency 31a. Identifiers: Orphanet 319595, MedGen C4013950, MONDO:0013956, OMIM 614892.

Allele frequency attached by ClinVar (database versions not stated): gnomAD 0.00001 and 0.00002; gnomAD exomes 0.00006 and 0.00002; ExAC 0.00007; 1000 Genomes Project 0.00040; 1000 Genomes Project 30x 0.00047; TOPMed 0.00004.
gnomAD v4.1: 34 of 1,614,192 alleles (0.0021%); highest among the groups gnomAD compares: Admixed American, 0.017%; no homozygotes.

Submissions (2):

Labcorp Genetics (formerly Invitae), Labcorp
Classification: Uncertain significance for Mendelian susceptibility to mycobacterial diseases due to partial STAT1 deficiency; Immunodeficiency 31B; Autoimmune enteropathy and endocrinopathy - susceptibility to chronic infections syndrome. Last evaluated: 2025-12-06. Review status: criteria provided, single submitter. Criteria: Invitae Variant Classification Sherloc (09022015). Collection method: clinical testing. Allele origin: germline.
Comment: This sequence change replaces asparagine, which is neutral and polar, with serine, which is neutral and polar, at codon 515 of the STAT1 protein (p.Asn515Ser). This variant is present in population databases (rs190269533, gnomAD 0.03%). This variant has not been reported in the literature in individuals affected with STAT1-related conditions. ClinVar contains an entry for this variant (Variation ID: 898612). An algorithm developed to predict the effect of missense changes on protein structure and function outputs the following: PolyPhen-2: "Benign". The serine amino acid residue is found in multiple mammalian species, which suggests that this missense change does not adversely affect protein function. In summary, the available evidence is currently insufficient to determine the role of this variant in disease. Therefore, it has been classified as a Variant of Uncertain Significance.

Illumina Laboratory Services, Illumina
Classification: Likely benign for Mendelian susceptibility to mycobacterial diseases due to partial STAT1 deficiency. Last evaluated: 2018-03-06. Review status: criteria provided, single submitter. Criteria: ICSL Variant Classification Criteria 13 December 2019. Collection method: clinical testing. Allele origin: germline.
Comment: This variant was observed in the ICSL laboratory as part of a predisposition screen in an ostensibly healthy population. It had not been previously curated by ICSL or reported in the Human Gene Mutation Database (HGMD: prior to June 1st, 2018), and was therefore a candidate for classification through an automated scoring system. Utilizing variant allele frequency, disease prevalence and penetrance estimates, and inheritance mode, an automated score was calculated to assess if this variant is too frequent to cause the disease. Based on the score and internal cut-off values, a variant classified as likely benign is not then subjected to further curation. The score for this variant resulted in a classification of likely benign for this disease.

NM_007315.4(STAT1):c.1544A>G (p.Asn515Ser)

Gene: STAT1 (signal transducer and activator of transcription 1; minus strand). Cytogenetic location: 2q32.2.
Variant type: single nucleotide variant.
Coding change: c.1544A>G on transcript NM_007315.4 (MANE Select); coding-DNA position 1544, A replaced by G.
Protein change: p.Asn515Ser; replaces asparagine 515 with serine.
Molecular consequence: missense variant.
Genome position (GRCh38, 1-based): chr2:190,982,421, T>C on the plus strand (A>G on the coding strand, the complement: STAT1 is on the minus strand). VCF-style: chr2-190982421-T-C. GRCh37 (hg19) VCF-style: chr2-191847147-T-C.
Other names: c.1484A>G, p.Asn495Ser (NM_001384880.1); c.1550A>G, p.Asn517Ser (NM_001384881.1, NM_001384884.1); c.1538A>G, p.Asn513Ser (NM_001384882.1); c.1445A>G, p.Asn482Ser (NM_001384883.1); c.1385A>G, p.Asn462Ser (NM_001384885.1); c.1544A>G, p.Asn515Ser (NM_001384886.1, NM_001384889.1, NM_139266.3); c.1451A>G, p.Asn484Ser (NM_001384887.1); c.1514A>G, p.Asn505Ser (NM_001384888.1); and 2 more; short protein forms N515S, N462S, N482S, N484S, N485S, N495S, N505S, N513S.
Identifiers: ClinVar variation 898612 (VCV000898612.8), dbSNP rs190269533, ClinGen allele CA2029900.